The following is an entry in ClinVar:

NM_020247.5(COQ8A):c.127_128delinsA (p.Leu43fs)

Gene: COQ8A (coenzyme Q8A; plus strand). Cytogenetic location: 1q42.13.
Variant type: Indel.
Coding change: c.127_128delinsA on transcript NM_020247.5 (MANE Select); coding-DNA positions 127 to 128, CT replaced by A.
Protein change: p.Leu43fs; shifts the reading frame from leucine 43.
Molecular consequence: frameshift variant.
Genome position (GRCh38, 1-based): chr1:226,961,512-226,961,513, CT replaced by A. VCF-style: chr1-226961512-CT-A. GRCh37 (hg19) VCF-style: chr1-227149213-CT-A.
Other names: c.127_128delCTinsA (NM_020247.4); short protein forms L43fs.
Identifiers: ClinVar variation 1186913 (VCV001186913.7), dbSNP rs2148051981, ClinGen allele CA2499214551.
Genomic context (GRCh38, chr1:226,961,512, plus strand): 5'-GTGGAAACCCACCTGCAGCACTTGGGCATCGGAGGGGAGCTGATCATGGCGGCCAGGGCC[CT>A]GCAGTCCACGGCTGTGGAGCAGATTGGCATGTTCTTGGGGAAGGTGCAGGTAAGGGGGCC-3'

ClinVar aggregate classification (germline): Pathogenic. Review status: criteria provided, multiple submitters, no conflicts (2 of 4 stars). 3 submissions from 3 submitters: Pathogenic (3). Last evaluated 2025-11-28.

Conditions:
Autosomal recessive ataxia due to ubiquinone deficiency. Also called: SPINOCEREBELLAR ATAXIA, AUTOSOMAL RECESSIVE 9; Coenzyme Q10 deficiency, primary, 4. Identifiers: Orphanet 139485, MedGen C2677589, MONDO:0012784, OMIM 612016.

Submissions (3):

Variantyx, Inc.
Classification: Pathogenic for Autosomal recessive ataxia due to ubiquinone deficiency. Last evaluated: 2025-11-28. Review status: criteria provided, single submitter. Criteria: Variantyx Assertion Criteria 2022. Collection method: clinical testing. Allele origin: germline. Inheritance: Autosomal recessive inheritance.
Comment: This is a frameshift variant in the COQ8A gene (OMIM: 606980). Pathogenic variants in this gene have been associated with autosomal recessive primary coenzyme Q10 deficiency 4. This variant introduces a premature termination codon in exon 2 out of 15 and is expected to result in loss of function, which is a known disease mechanism for COQ8A in this disorder (PVS1). This variant has been identified in the homozygous or compound heterozygous state in at least one individual reported in the published literature (PMID: 37090936) (PM3). This variant has a 0.0020% maximum allele frequency in non-founder control populations (PM2). Based on the current evidence, this variant is classified as pathogenic for autosomal recessive primary coenzyme Q10 deficiency 4.

Labcorp Genetics (formerly Invitae), Labcorp
Classification: Pathogenic. Last evaluated: 2025-10-13. Review status: criteria provided, single submitter. Criteria: Invitae Variant Classification Sherloc (09022015). Collection method: clinical testing. Allele origin: germline.
Comment: This sequence change creates a premature translational stop signal (p.Leu43Serfs*166) in the COQ8A gene. It is expected to result in an absent or disrupted protein product. Loss-of-function variants in COQ8A are known to be pathogenic (PMID: 18319074, 20580948). Information on the frequency of this variant in the gnomAD database is not available, as this variant may be reported differently in the database. This premature translational stop signal has been observed in individual(s) with clinical features of coenzyme Q10 deficiency (PMID: 37090936). For these reasons, this variant has been classified as Pathogenic.

GeneDx
Classification: Pathogenic. Last evaluated: 2025-05-27. Review status: criteria provided, single submitter. Criteria: GeneDx Variant Classification Process June 2021. Collection method: clinical testing. Allele origin: germline. Affected: yes.
Comment: Frameshift variant predicted to result in protein truncation or nonsense mediated decay in a gene for which loss-of-function is a known mechanism of disease; Not observed at a significant frequency in large population cohorts (gnomAD); This variant is associated with the following publications: (PMID: 37090936)

Literature cited by the submitters: PubMed 37090936 (cited by Variantyx, Inc. and Labcorp Genetics (formerly Invitae), Labcorp); PubMed 18319074 (cited by Labcorp Genetics (formerly Invitae), Labcorp); PubMed 20580948 (cited by Labcorp Genetics (formerly Invitae), Labcorp).